The following is an entry in ClinVar:

NM_007286.6(SYNPO):c.1942G>A (p.Val648Met)

Gene: SYNPO (synaptopodin; plus strand). Cytogenetic location: 5q33.1.
Variant type: single nucleotide variant.
Coding change: c.1942G>A on transcript NM_007286.6 (MANE Select); coding-DNA position 1942, G replaced by A.
Protein change: p.Val648Met; replaces valine 648 with methionine.
Molecular consequence: missense variant.
Genome position (GRCh38, 1-based): chr5:150,650,217, G>A. VCF-style: chr5-150650217-G-A. GRCh37 (hg19) VCF-style: chr5-150029779-G-A.
Other names: c.1942G>A, p.Val648Met (NM_001109974.3); c.2674G>A, p.Val892Met (NM_001166208.2, NM_001166209.2); short protein forms V648M, V892M.
Identifiers: ClinVar variation 2879670 (VCV002879670.3), dbSNP rs758659255, ClinGen allele CA361784496.

ClinVar aggregate classification (germline): Uncertain significance (1 of 4 stars; one submission).

Allele frequency attached by ClinVar (database versions not stated): gnomAD 0.00001.
gnomAD v4.1: 14 of 1,613,574 alleles (0.00087%); highest among the groups gnomAD compares: East Asian, 0.0045%; no homozygotes.

Submission:

Labcorp Genetics (formerly Invitae), Labcorp
Classification: Uncertain significance. Last evaluated: 2023-03-23. Review status: criteria provided, single submitter. Criteria: Invitae Variant Classification Sherloc (09022015). Collection method: clinical testing. Allele origin: germline.
Comment: This variant has not been reported in the literature in individuals affected with SYNPO-related conditions. In summary, the available evidence is currently insufficient to determine the role of this variant in disease. Therefore, it has been classified as a Variant of Uncertain Significance. An algorithm developed to predict the effect of missense changes on protein structure and function (PolyPhen-2) suggests that this variant is likely to be disruptive. The frequency data for this variant in the population databases is considered unreliable, as metrics indicate poor data quality at this position in the gnomAD database. This sequence change replaces valine, which is neutral and non-polar, with methionine, which is neutral and non-polar, at codon 648 of the SYNPO protein (p.Val648Met).